The following is an entry in ClinVar:

ClinVar aggregate classification (germline): Uncertain significance (1 of 4 stars; one submission).

Allele frequency attached by ClinVar (database versions not stated): ExAC 0.00001; gnomAD exomes 0.00001; TOPMed 0.00001.
gnomAD v4.1: 18 of 1,614,162 alleles (0.0011%); highest among the groups gnomAD compares: African/African-American, 0.0013%; no homozygotes.

Submission:

Labcorp Genetics (formerly Invitae), Labcorp
Classification: Uncertain significance. Last evaluated: 2023-11-15. Review status: criteria provided, single submitter. Criteria: Invitae Variant Classification Sherloc (09022015). Collection method: clinical testing. Allele origin: germline.
Comment: This sequence change replaces methionine, which is neutral and non-polar, with valine, which is neutral and non-polar, at codon 569 of the MACF1 protein (p.Met569Val). This variant is present in population databases (rs749609864, gnomAD 0.002%). This variant has not been reported in the literature in individuals affected with MACF1-related conditions. ClinVar contains an entry for this variant (Variation ID: 1968168). An algorithm developed to predict the effect of missense changes on protein structure and function (PolyPhen-2) suggests that this variant is likely to be tolerated. In summary, the available evidence is currently insufficient to determine the role of this variant in disease. Therefore, it has been classified as a Variant of Uncertain Significance.

NM_001394062.1(MACF1):c.1690A>G (p.Met564Val)

Gene: MACF1 (microtubule actin crosslinking factor 1; plus strand). Cytogenetic location: 1p34.3.
Variant type: single nucleotide variant.
Coding change: c.1690A>G on transcript NM_001394062.1 (MANE Select); coding-DNA position 1690, A replaced by G.
Protein change: p.Met564Val; replaces methionine 564 with valine.
Molecular consequence: missense variant.
Genome position (GRCh38, 1-based): chr1:39,287,467, A>G. VCF-style: chr1-39287467-A-G. GRCh37 (hg19) VCF-style: chr1-39753139-A-G.
Other names: c.1705A>G, p.Met569Val (NM_012090.5); short protein forms M564V, M569V.
Identifiers: ClinVar variation 1968168 (VCV001968168.5), dbSNP rs749609864, ClinGen allele CA779490.